The following is an entry in ClinVar:

NM_002474.3(MYH11):c.854A>G (p.Tyr285Cys)

Gene: MYH11 (myosin heavy chain 11; minus strand). Cytogenetic location: 16p13.11.
Variant type: single nucleotide variant.
Coding change: c.854A>G on transcript NM_002474.3 (MANE Select); coding-DNA position 854, A replaced by G.
Protein change: p.Tyr285Cys; replaces tyrosine 285 with cysteine.
Molecular consequence: missense variant.
Genome position (GRCh38, 1-based): chr16:15,776,113, T>C on the plus strand (A>G on the coding strand, the complement: MYH11 is on the minus strand). VCF-style: chr16-15776113-T-C. GRCh37 (hg19) VCF-style: chr16-15869970-T-C.
Other names: c.875A>G, p.Tyr292Cys (NM_001040113.2, NM_001040114.2); c.854A>G, p.Tyr285Cys (NM_022844.3); short protein forms Y285C, Y292C.
Identifiers: ClinVar variation 2773865 (VCV002773865.2), dbSNP rs2506550743, ClinGen allele CA394869497.
Genomic context (GRCh38, chr16:15,776,113, plus strand): 5'-TCACATGTCATTGCTAGTCACTTACTTCTCATCTTCTCCTTGGCTCCAGCAATCATGTAG[T>C]AAAAGATGTGGAATGTCCTCTCGTCTCTGGCTTGGCGAATTGCCCGTGATTTTTCTAGCA-3'
Protein context (NP_002465.1, residues 275-295): ARDERTFHIF[Tyr285Cys]YMIAGAKEKM

ClinVar aggregate classification (germline): Uncertain significance (1 of 4 stars; one submission).

Conditions:
Familial thoracic aortic aneurysm and aortic dissection (TAAD). Also called: Thoracic aortic aneurysms and dissections. Identifiers: Orphanet 91387, MedGen C4707243, MONDO:0019625.

Submission:

Color Diagnostics, LLC DBA Color Health
Classification: Uncertain significance for Familial thoracic aortic aneurysm and aortic dissection. Last evaluated: 2024-03-07. Review status: criteria provided, single submitter. Criteria: ACMG Guidelines, 2015. Collection method: clinical testing. Allele origin: germline.
Comment: This missense variant replaces tyrosine with cysteine at codon 292 of the MYH11 protein. Computational prediction suggests that this variant may have deleterious impact on protein structure and function (internally defined REVEL score threshold >= 0.7, PMID: 27666373). To our knowledge, functional studies have not been reported for this variant. This variant has not been reported in individuals affected with cardiovascular disorders in the literature. This variant has not been identified in the general population by the Genome Aggregation Database (gnomAD). The available evidence is insufficient to determine the role of this variant in disease conclusively. Therefore, this variant is classified as a Variant of Uncertain Significance.